The following is an entry in ClinVar:

NM_006031.6(PCNT):c.5994+38T>C

Gene: PCNT (pericentrin; plus strand). Cytogenetic location: 21q22.3.
Variant type: single nucleotide variant.
Coding change: c.5994+38T>C on transcript NM_006031.6 (MANE Select); 38 bases into the intron after coding-DNA position 5994, T replaced by C.
Molecular consequence: intron variant.
Genome position (GRCh38, 1-based): chr21:46,412,105, T>C. VCF-style: chr21-46412105-T-C. GRCh37 (hg19) VCF-style: chr21-47832019-T-C.
Other names: c.5640+38T>C (NM_001315529.2).
Identifiers: ClinVar variation 159627 (VCV000159627.9), dbSNP rs73907502, ClinGen allele CA173036.
Genomic context (GRCh38, chr21:46,412,105, plus strand): 5'-AGCCGGTTGTCCCTGACCCACAGGTGGGCTCCCCCCGCGGGCCATGGCAGGGTATTTTTT[T>C]TTACTCTCCTTTTCTCCTTTGATGTCAATGACTTCTCTCTGCGCTGGGCACTGGGGGCTG-3'

ClinVar aggregate classification (germline): Benign. Review status: criteria provided, multiple submitters, no conflicts (2 of 4 stars). 3 submissions from 3 submitters: Benign (2). 1 of the submissions does not count toward it. Last evaluated 2018-06-26.

Allele frequency attached by ClinVar (database versions not stated): ExAC 0.10749; ESP Exome Variant Server 0.18669; 1000 Genomes Project 30x 0.18598; gnomAD 0.18733 and 0.17895; TOPMed 0.18792; gnomAD exomes 0.08059 and 0.09606; 1000 Genomes Project 0.17891.
gnomAD v4.1: 144,126 of 1,593,010 alleles (9%); highest among the groups gnomAD compares: African/African-American, 45%; 12,087 homozygotes.

Submissions (3):

GeneDx
Classification: Benign. Last evaluated: 2018-06-26. Review status: criteria provided, single submitter. Criteria: GeneDx Variant Classification Process June 2021. Collection method: clinical testing. Allele origin: germline. Affected: yes.

Breakthrough Genomics
Classification: Benign. Review status: criteria provided, single submitter. Criteria: ACMG Guidelines, 2015. Collection method: not provided. Allele origin: germline. Inheritance: Autosomal recessive inheritance. Affected: yes.

Genetic Services Laboratory, University of Chicago
Classification: Likely benign. Review status: no assertion criteria provided. Collection method: clinical testing. Allele origin: germline. Inheritance: Autosomal recessive inheritance. Not counted in ClinVar's aggregate classification.
Comment: Likely benign based on allele frequency in 1000 Genomes Project or ESP global frequency and its presence in a patient with a rare or unrelated disease phenotype. NOT Sanger confirmed